The following is an entry in ClinVar:

ClinVar aggregate classification (germline): Uncertain significance. Review status: criteria provided, multiple submitters, no conflicts (2 of 4 stars). 2 submissions from 2 submitters: Uncertain significance (2). Last evaluated 2025-11-05.

Allele frequency attached by ClinVar (database versions not stated): gnomAD 0.00002; ExAC 0.00001; ESP Exome Variant Server 0.00008.
gnomAD v4.1: 14 of 1,614,036 alleles (0.00087%); highest among the groups gnomAD compares: African/African-American, 0.0027%; no homozygotes.

Submissions (2):

Ambry Genetics
Classification: Uncertain significance. Last evaluated: 2025-11-05. Review status: criteria provided, single submitter. Criteria: Ambry Variant Classification Scheme 2023. Collection method: clinical testing. Allele origin: germline.

Labcorp Genetics (formerly Invitae), Labcorp
Classification: Uncertain significance. Last evaluated: 2025-07-03. Review status: criteria provided, single submitter. Criteria: Invitae Variant Classification Sherloc (09022015). Collection method: clinical testing. Allele origin: germline.
Comment: This sequence change replaces arginine, which is basic and polar, with cysteine, which is neutral and slightly polar, at codon 302 of the LIPG protein (p.Arg302Cys). This variant is present in population databases (rs150193557, gnomAD 0.008%). This variant has not been reported in the literature in individuals affected with LIPG-related conditions. ClinVar contains an entry for this variant (Variation ID: 2989475). An algorithm developed to predict the effect of missense changes on protein structure and function (PolyPhen-2) suggests that this variant is likely to be disruptive. In summary, the available evidence is currently insufficient to determine the role of this variant in disease. Therefore, it has been classified as a Variant of Uncertain Significance.

NM_006033.4(LIPG):c.904C>T (p.Arg302Cys)

Gene: LIPG (lipase G, endothelial type; plus strand). Cytogenetic location: 18q21.1.
Variant type: single nucleotide variant.
Coding change: c.904C>T on transcript NM_006033.4 (MANE Select); coding-DNA position 904, C replaced by T.
Protein change: p.Arg302Cys; replaces arginine 302 with cysteine.
Molecular consequence: missense variant.
Genome position (GRCh38, 1-based): chr18:49,581,525, C>T. VCF-style: chr18-49581525-C-T. GRCh37 (hg19) VCF-style: chr18-47107895-C-T.
Other names: c.682C>T, p.Arg228Cys (NM_001308006.2); c.904C>T (NM_006033.2); short protein forms R302C, R228C.
Identifiers: ClinVar variation 2989475 (VCV002989475.4), dbSNP rs150193557, ClinGen allele CA8959251.